The following is an entry in ClinVar:

NM_000400.4(ERCC2):c.2209T>G (p.Ser737Ala)

Gene: ERCC2 (ERCC excision repair 2, TFIIH core complex helicase subunit; minus strand). Cytogenetic location: 19q13.32.
Variant type: single nucleotide variant.
Coding change: c.2209T>G on transcript NM_000400.4 (MANE Select); coding-DNA position 2209, T replaced by G.
Protein change: p.Ser737Ala; replaces serine 737 with alanine.
Molecular consequence: missense variant.
Genome position (GRCh38, 1-based): chr19:45,351,703, A>C on the plus strand (T>G on the coding strand, the complement: ERCC2 is on the minus strand). VCF-style: chr19-45351703-A-C. GRCh37 (hg19) VCF-style: chr19-45854961-A-C.
Other names: short protein forms S737A.
Identifiers: ClinVar variation 2447134 (VCV002447134.2), dbSNP rs1568530343, ClinGen allele CA406360550.

ClinVar aggregate classification (germline): Uncertain significance (1 of 4 stars; one submission).

Conditions:
Inborn genetic diseases. Identifiers: MedGen C0950123, MeSH D030342.

Allele frequency attached by ClinVar (database versions not stated): gnomAD exomes 0.00001.
gnomAD v4.1: 9 of 1,613,832 alleles (0.00056%); highest among the groups gnomAD compares: Non-Finnish European, 0.00076%; no homozygotes.

Submission:

Ambry Genetics
Classification: Uncertain significance for Inborn genetic diseases. Last evaluated: 2022-11-25. Review status: criteria provided, single submitter. Criteria: Ambry Variant Classification Scheme 2023. Collection method: clinical testing. Allele origin: germline.
Comment: The p.S737A variant (also known as c.2209T>G), located in coding exon 23 of the ERCC2 gene, results from a T to G substitution at nucleotide position 2209. The serine at codon 737 is replaced by alanine, an amino acid with similar properties. This amino acid position is conserved. In addition, the in silico prediction for this alteration is inconclusive. Since supporting evidence is limited at this time, the clinical significance of this alteration remains unclear.